The following is an entry in ClinVar:

ClinVar aggregate classification (germline): Likely benign. Review status: criteria provided, single submitter (1 of 4 stars). 2 submissions from 2 submitters: Likely benign (1). 1 of the submissions does not count toward it. Last evaluated 2025-09-16.

Conditions:
HSPG2-related disorder. Also called: HSPG2-related disorders; HSPG2-related condition.

Allele frequency attached by ClinVar (database versions not stated): gnomAD exomes 0.00014 and 0.00031; ExAC 0.00017; ESP Exome Variant Server 0.00023; gnomAD 0.00023 and 0.00026; TOPMed 0.00023.
gnomAD v4.1: 473 of 1,613,246 alleles (0.029%); highest among the groups gnomAD compares: Non-Finnish European, 0.038%; no homozygotes.

Submissions (2):

Labcorp Genetics (formerly Invitae), Labcorp
Classification: Likely benign. Last evaluated: 2025-09-16. Review status: criteria provided, single submitter. Criteria: Invitae Variant Classification Sherloc (09022015). Collection method: clinical testing. Allele origin: germline.

PreventionGenetics, part of Exact Sciences
Classification: Likely benign for HSPG2-related condition. Last evaluated: 2019-05-23. Review status: no assertion criteria provided. Collection method: clinical testing. Allele origin: germline. Not counted in ClinVar's aggregate classification.
Comment: This variant is classified as likely benign based on ACMG/AMP sequence variant interpretation guidelines (Richards et al. 2015 PMID: 25741868, with internal and published modifications).

NM_005529.7(HSPG2):c.11958C>T (p.Gly3986=)

Gene: HSPG2 (heparan sulfate proteoglycan 2; minus strand). Cytogenetic location: 1p36.12.
Variant type: single nucleotide variant.
Coding change: c.11958C>T on transcript NM_005529.7 (MANE Select); coding-DNA position 11958, C replaced by T.
Protein change: p.Gly3986=; no amino-acid change (glycine 3986 retained).
Molecular consequence: synonymous variant.
Genome position (GRCh38, 1-based): chr1:21,829,417, G>A on the plus strand (C>T on the coding strand, the complement: HSPG2 is on the minus strand). VCF-style: chr1-21829417-G-A. GRCh37 (hg19) VCF-style: chr1-22155910-G-A.
Other names: c.11961C>T, p.Gly3987= (NM_001291860.2).
Identifiers: ClinVar variation 729428 (VCV000729428.11), dbSNP rs62642498, ClinGen allele CA669571.
Genomic context (GRCh38, chr1:21,829,417, plus strand): 5'-CCCCGCATTTGGTGCTGGGTGCTTACCTGACCCCAACTCATAGCGGAACTCCAGGTGGCC[G>A]CCCACCATCGCCAGGGACACGAAGTCCTCCACAGGCCCGCTCTTCCCCCCGCTGAACAGC-3'
Protein context (NP_005520.4, residues 3976-3996): VEDFVSLAMV[Gly3986=]GHLEFRYELG